The following is an entry in ClinVar:

NM_000258.3(MYL3):c.351dup (p.Leu118fs)

Gene: MYL3 (myosin light chain 3; minus strand). Cytogenetic location: 3p21.31.
Variant type: Duplication.
Coding change: c.351dup on transcript NM_000258.3 (MANE Select); coding-DNA position 351, one base duplicated (G; older notation c.351dupG).
Protein change: p.Leu118fs; shifts the reading frame from leucine 118.
Molecular consequence: frameshift variant.
Genome position (GRCh38, 1-based): chr3:46,859,605, C duplicated on the plus strand (G on the coding strand, the reverse complement: MYL3 is on the minus strand). VCF-style (leftmost placement, unchanged base first): chr3-46859604-G-GC. GRCh37 (hg19) VCF-style: chr3-46901094-G-GC.
Other names: c.351dup, p.Leu118fs (NM_001406937.1, NM_001406938.1, NM_001406939.1); c.177dup, p.Leu60fs (NM_001406940.1, NM_001406941.1); short protein forms L118fs, L60fs.
Identifiers: ClinVar variation 3072643 (VCV003072643.1), dbSNP rs2544965362, ClinGen allele CA2825001246.

ClinVar aggregate classification (germline): Uncertain significance (1 of 4 stars; one submission).

Conditions:
Hypertrophic cardiomyopathy. Also called: HYPERTROPHIC MYOCARDIOPATHY. Identifiers: Orphanet 217569, MedGen C0007194, MeSH D002312, MONDO:0005045, HP:0001639.

Submission:

All of Us Research Program, National Institutes of Health
Classification: Uncertain significance for Hypertrophic cardiomyopathy. Last evaluated: 2023-08-15. Review status: criteria provided, single submitter. Criteria: ACMG Guidelines, 2015. Collection method: clinical testing. Allele origin: germline. Inheritance: Autosomal dominant inheritance. Observed: 1 variant allele, 1 heterozygote.
Comment: This study involves interpretation of variants in research participants for the purpose of population health screening. Participant phenotype was not available at the time of variant classification. Additional details can be found in publication PMID: 35346344, PMCID: PMC8962531